The following is an entry in ClinVar:

NM_005802.5(TOPORS):c.2992G>C (p.Val998Leu)

Gene: TOPORS (TOP1 binding arginine/serine rich protein, E3 ubiquitin ligase; minus strand). Cytogenetic location: 9p21.1.
Variant type: single nucleotide variant.
Coding change: c.2992G>C on transcript NM_005802.5 (MANE Select); coding-DNA position 2992, G replaced by C.
Protein change: p.Val998Leu; replaces valine 998 with leucine.
Molecular consequence: missense variant.
Genome position (GRCh38, 1-based): chr9:32,541,533, C>G on the plus strand (G>C on the coding strand, the complement: TOPORS is on the minus strand). VCF-style: chr9-32541533-C-G. GRCh37 (hg19) VCF-style: chr9-32541531-C-G.
Other names: c.2797G>C, p.Val933Leu (NM_001195622.2); short protein forms V933L, V998L.
Identifiers: ClinVar variation 1043427 (VCV001043427.8), dbSNP rs1401109247, ClinGen allele CA373159690.

ClinVar aggregate classification (germline): Uncertain significance (1 of 4 stars; one submission).

Allele frequency attached by ClinVar (database versions not stated): gnomAD exomes below 0.00001.

Submission:

Labcorp Genetics (formerly Invitae), Labcorp
Classification: Uncertain significance. Last evaluated: 2025-04-02. Review status: criteria provided, single submitter. Criteria: Invitae Variant Classification Sherloc (09022015). Collection method: clinical testing. Allele origin: germline.
Comment: This sequence change replaces valine, which is neutral and non-polar, with leucine, which is neutral and non-polar, at codon 998 of the TOPORS protein (p.Val998Leu). This variant is present in population databases (no rsID available, gnomAD 0.003%). This variant has not been reported in the literature in individuals affected with TOPORS-related conditions. ClinVar contains an entry for this variant (Variation ID: 1043427). Experimental studies and prediction algorithms are not available or were not evaluated, and the functional significance of this variant is currently unknown. In summary, the available evidence is currently insufficient to determine the role of this variant in disease. Therefore, it has been classified as a Variant of Uncertain Significance.